The following is an entry in ClinVar:

ClinVar aggregate classification (germline): Conflicting classifications of pathogenicity. Review status: criteria provided, conflicting classifications (1 of 4 stars). 2 submissions from 2 submitters: Uncertain significance (1); Likely benign (1). Last evaluated 2025-01-06.

Conditions:
ASAH1-related disorders. Also called: ASAH1-related condition; ASAH1-related disorder. Identifiers: MedGen CN376120, MONDO:0800460.

Allele frequency attached by ClinVar (database versions not stated): gnomAD exomes 0.00001; gnomAD 0.00005; TOPMed 0.00008.
gnomAD v4.1: 19 of 1,610,288 alleles (0.0012%); highest among the groups gnomAD compares: African/African-American, 0.02%; no homozygotes.

Submissions (2):

Labcorp Genetics (formerly Invitae), Labcorp
Classification: Uncertain significance. Last evaluated: 2025-01-06. Review status: criteria provided, single submitter. Criteria: Invitae Variant Classification Sherloc (09022015). Collection method: clinical testing. Allele origin: germline.
Comment: This sequence change falls in intron 12 of the ASAH1 gene. It does not directly change the encoded amino acid sequence of the ASAH1 protein. It affects a nucleotide within the consensus splice site. This variant is present in population databases (no rsID available, gnomAD 0.01%). This variant has not been reported in the literature in individuals affected with ASAH1-related conditions. ClinVar contains an entry for this variant (Variation ID: 1346034). Variants that disrupt the consensus splice site are a relatively common cause of aberrant splicing (PMID: 17576681, 9536098). Algorithms developed to predict the effect of sequence changes on RNA splicing suggest that this variant is not likely to affect RNA splicing. In summary, the available evidence is currently insufficient to determine the role of this variant in disease. Therefore, it has been classified as a Variant of Uncertain Significance.

PreventionGenetics, part of Exact Sciences
Classification: Likely benign for ASAH1-related condition. Last evaluated: 2024-11-09. Review status: criteria provided, single submitter. Criteria: ACMG Guidelines, 2015. Collection method: clinical testing. Allele origin: germline.
Comment: This variant is classified as likely benign based on ACMG/AMP sequence variant interpretation guidelines (Richards et al. 2015 PMID: 25741868, with internal and published modifications).

Literature cited by the submitters: PubMed 17576681 (cited by Labcorp Genetics (formerly Invitae), Labcorp); PubMed 9536098 (cited by Labcorp Genetics (formerly Invitae), Labcorp).

NM_177924.5(ASAH1):c.1042-3T>C

Gene: ASAH1 (N-acylsphingosine amidohydrolase 1; minus strand). Cytogenetic location: 8p22.
Variant type: single nucleotide variant.
Coding change: c.1042-3T>C on transcript NM_177924.5 (MANE Select); 3 bases into the intron before coding-DNA position 1042, T replaced by C.
Molecular consequence: intron variant.
Genome position (GRCh38, 1-based): chr8:18,058,894, A>G on the plus strand (T>C on the coding strand, the complement: ASAH1 is on the minus strand). VCF-style: chr8-18058894-A-G. GRCh37 (hg19) VCF-style: chr8-17916403-A-G.
Other names: c.1090-3T>C (NM_004315.5, NM_004315.6); c.1024-3T>C (NM_001127505.3); c.847-3T>C (NM_001363743.2).
Identifiers: ClinVar variation 1346034 (VCV001346034.5), dbSNP rs913948326, ClinGen allele CA173139627.